The following is an entry in ClinVar:

NM_003470.3(USP7):c.2255C>G (p.Ser752Cys)

Gene: USP7 (ubiquitin specific peptidase 7; minus strand). Cytogenetic location: 16p13.2.
Variant type: single nucleotide variant.
Coding change: c.2255C>G on transcript NM_003470.3 (MANE Select); coding-DNA position 2255, C replaced by G.
Protein change: p.Ser752Cys; replaces serine 752 with cysteine.
Molecular consequence: missense variant. On other transcripts: non-coding transcript variant (1).
Genome position (GRCh38, 1-based): chr16:8,900,584, G>C on the plus strand (C>G on the coding strand, the complement: USP7 is on the minus strand). VCF-style: chr16-8900584-G-C. GRCh37 (hg19) VCF-style: chr16-8994441-G-C.
Other names: c.2207C>G, p.Ser736Cys (NM_001286457.2); c.1958C>G, p.Ser653Cys (NM_001286458.2); c.2081C>G, p.Ser694Cys (NM_001321858.2); short protein forms S653C, S694C, S736C, S752C.
Identifiers: ClinVar variation 2646185 (VCV002646185.24), dbSNP rs747014527, ClinGen allele CA7895091.

ClinVar aggregate classification (germline): Uncertain significance (1 of 4 stars; one submission).

Allele frequency attached by ClinVar (database versions not stated): gnomAD exomes below 0.00001; ExAC 0.00001.
gnomAD v4.1: 4 of 1,612,532 alleles (0.00025%); highest among the groups gnomAD compares: Non-Finnish European, 0.00034%; no homozygotes.

Submission:

CeGaT Center for Human Genetics Tuebingen
Classification: Uncertain significance. Last evaluated: 2022-06-01. Review status: criteria provided, single submitter. Criteria: CeGaT Center For Human Genetics Tuebingen Variant Classification Criteria Version 2. Collection method: clinical testing. Allele origin: germline. Affected: yes. Observed: 1 variant allele.
Comment: USP7: PP2